The following is an entry in ClinVar:

NM_052859.4(RFT1):c.457-10_457-9del

Gene: RFT1 (RFT1 glycolipid translocator homolog; minus strand). Cytogenetic location: 3p21.1.
Variant type: Deletion.
Coding change: c.457-10_457-9del on transcript NM_052859.4 (MANE Select); 10 bases into the intron before coding-DNA position 457 through 9 bases into the intron before coding-DNA position 457, 2 bases deleted (AT; older notation c.457-10_457-9delAT).
Molecular consequence: intron variant.
Genome position (GRCh38, 1-based): chr3:53,121,809-53,121,810, AT deleted on the plus strand (AT on the coding strand, the reverse complement: RFT1 is on the minus strand). VCF-style (leftmost placement, unchanged base first): chr3-53121808-CAT-C. GRCh37 (hg19) VCF-style: chr3-53155824-CAT-C.
Other names: c.457-10_457-9delAT (NM_052859.3).
Identifiers: ClinVar variation 1121014 (VCV001121014.9), dbSNP rs778675860, ClinGen allele CA2451443.

ClinVar aggregate classification (germline): Likely benign. Review status: criteria provided, single submitter (1 of 4 stars). 2 submissions from 2 submitters: Likely benign (1). 1 of the submissions does not count toward it. Last evaluated 2026-01-11.

Conditions:
RFT1-related disorder. Also called: RFT1-related condition.
RFT1-congenital disorder of glycosylation (CDG1N). Also called: CDG In; RFT1-CDG; Congenital disorder of glycosylation type In. Identifiers: Orphanet 244310, MedGen C2677590, MONDO:0012783, OMIM 612015.

Allele frequency attached by ClinVar (database versions not stated): gnomAD exomes 0.00005 and 0.00007; ExAC 0.00011; ESP Exome Variant Server 0.00040; gnomAD 0.00046 and 0.00049; TOPMed 0.00046.

Submissions (2):

Labcorp Genetics (formerly Invitae), Labcorp
Classification: Likely benign for RFT1-congenital disorder of glycosylation. Last evaluated: 2026-01-11. Review status: criteria provided, single submitter. Criteria: Invitae Variant Classification Sherloc (09022015). Collection method: clinical testing. Allele origin: germline.

PreventionGenetics, part of Exact Sciences
Classification: Likely benign for RFT1-related condition. Last evaluated: 2019-08-13. Review status: no assertion criteria provided. Collection method: clinical testing. Allele origin: germline. Not counted in ClinVar's aggregate classification.
Comment: This variant is classified as likely benign based on ACMG/AMP sequence variant interpretation guidelines (Richards et al. 2015 PMID: 25741868, with internal and published modifications).